The following is an entry in ClinVar:

ClinVar aggregate classification (germline): Likely benign (0 of 4 stars; one submission).

Conditions:
ADCY3-related disorder. Also called: ADCY3-related condition.

Allele frequency attached by ClinVar (database versions not stated): gnomAD exomes below 0.00001; ExAC 0.00001.
gnomAD v4.1: 4 of 1,613,962 alleles (0.00025%); highest among the groups gnomAD compares: African/African-American, 0.0053%; no homozygotes.

Submission:

PreventionGenetics, part of Exact Sciences
Classification: Likely benign for ADCY3-related condition. Last evaluated: 2021-05-06. Review status: no assertion criteria provided. Collection method: clinical testing. Allele origin: germline.
Comment: This variant is classified as likely benign based on ACMG/AMP sequence variant interpretation guidelines (Richards et al. 2015 PMID: 25741868, with internal and published modifications).

NM_004036.5(ADCY3):c.2214G>A (p.Thr738=)

Gene: ADCY3 (adenylate cyclase 3; minus strand). Cytogenetic location: 2p23.3.
Variant type: single nucleotide variant.
Coding change: c.2214G>A on transcript NM_004036.5 (MANE Select); coding-DNA position 2214, G replaced by A.
Protein change: p.Thr738=; no amino-acid change (threonine 738 retained).
Molecular consequence: synonymous variant. On other transcripts: intron variant (2).
Genome position (GRCh38, 1-based): chr2:24,828,120, C>T on the plus strand (G>A on the coding strand, the complement: ADCY3 is on the minus strand). VCF-style: chr2-24828120-C-T. GRCh37 (hg19) VCF-style: chr2-25050989-C-T.
Other names: c.2214G>A, p.Thr738= (NM_001320613.2, NM_001377132.1); c.2280G>A, p.Thr760= (NM_001377128.1); c.1491G>A, p.Thr497= (NM_001377131.1); c.2172+2589G>A (NM_001377130.1); c.2173-97G>A (NM_001377129.1).
Identifiers: ClinVar variation 3057536 (VCV003057536.2), dbSNP rs766366885, ClinGen allele CA1553833.
Genomic context (GRCh38, chr2:24,828,120, plus strand): 5'-GGCCACATAGTTGTAATACTTGGGGTTCTCCAGGCAGCTGCCCTCCGTTTCCATCCCTGC[C>T]GTTGCATTGCTGGGTCCCGTGTAGTACTGGAGACAGCTGAGCTGGAGGCCAGGACGGCGG-3'
Protein context (NP_004027.2, residues 728-748): LQYYTGPSNA[Thr738=]AGMETEGSCL